The following is an entry in ClinVar:

ClinVar aggregate classification (germline): Uncertain significance (1 of 4 stars; one submission).

Allele frequency attached by ClinVar (database versions not stated): gnomAD exomes 0.00001; TOPMed 0.00004; gnomAD 0.00005.
gnomAD v4.1: 11 of 1,614,106 alleles (0.00068%); highest among the groups gnomAD compares: African/African-American, 0.015%; no homozygotes.

Submission:

Labcorp Genetics (formerly Invitae), Labcorp
Classification: Uncertain significance. Last evaluated: 2023-07-17. Review status: criteria provided, single submitter. Criteria: Invitae Variant Classification Sherloc (09022015). Collection method: clinical testing. Allele origin: germline.
Comment: This sequence change replaces proline, which is neutral and non-polar, with arginine, which is basic and polar, at codon 879 of the AGBL5 protein (p.Pro879Arg). This variant is present in population databases (no rsID available, gnomAD 0.02%), including at least one homozygous and/or hemizygous individual. This variant has not been reported in the literature in individuals affected with AGBL5-related conditions. ClinVar contains an entry for this variant (Variation ID: 1932974). An algorithm developed to predict the effect of missense changes on protein structure and function (PolyPhen-2) suggests that this variant is likely to be tolerated. In summary, the available evidence is currently insufficient to determine the role of this variant in disease. Therefore, it has been classified as a Variant of Uncertain Significance.

NM_021831.6(AGBL5):c.2636C>G (p.Pro879Arg)

Gene: AGBL5 (AGBL carboxypeptidase 5; plus strand). Cytogenetic location: 2p23.3.
Variant type: single nucleotide variant.
Coding change: c.2636C>G on transcript NM_021831.6 (MANE Select); coding-DNA position 2636, C replaced by G.
Protein change: p.Pro879Arg; replaces proline 879 with arginine.
Molecular consequence: missense variant. On other transcripts: non-coding transcript variant (2).
Genome position (GRCh38, 1-based): chr2:27,070,238, C>G. VCF-style: chr2-27070238-C-G. GRCh37 (hg19) VCF-style: chr2-27293106-C-G.
Other names: c.2636C>G, p.Pro879Arg (NM_001035506.1); short protein forms P879R.
Identifiers: ClinVar variation 1932974 (VCV001932974.5), dbSNP rs1302752074, ClinGen allele CA346143373.
Genomic context (GRCh38, chr2:27,070,238, plus strand): 5'-ATTGTTACAGCAGGGGTCCCTTGGGCCAACCTGAGGTTTGTTTTGTCCCTAAATCTCCCC[C>G]ACTGACTGTTTCTCCCCGGGTCTGATAATGCCTTTATGTTCAAGCCCAGGATATAGCCCC-3'
Protein context (NP_068603.4, residues 869-886): PEVCFVPKSP[Pro879Arg]LTVSPRV